The following is an entry in ClinVar:

ClinVar aggregate classification (germline): Conflicting classifications of pathogenicity. Review status: criteria provided, conflicting classifications (1 of 4 stars). 2 submissions from 2 submitters: Uncertain significance (1); Likely benign (1). Last evaluated 2025-09-15.

Conditions:
ATP11C-related disorder. Also called: ATP11C-related condition.

Submissions (2):

PreventionGenetics, part of Exact Sciences
Classification: Likely benign for ATP11C-related condition. Last evaluated: 2025-09-15. Review status: criteria provided, single submitter. Criteria: ACMG Guidelines, 2015. Collection method: clinical testing. Allele origin: germline.
Comment: This variant is classified as likely benign based on ACMG/AMP sequence variant interpretation guidelines (Richards et al. 2015 PMID: 25741868, with internal and published modifications).

Ambry Genetics
Classification: Uncertain significance. Last evaluated: 2025-01-19. Review status: criteria provided, single submitter. Criteria: Ambry Variant Classification Scheme 2023. Collection method: clinical testing. Allele origin: germline.

NM_001353812.2(ATP11C):c.617G>A (p.Arg206Gln)

Gene: ATP11C (ATPase phospholipid transporting 11C (ATP11C blood group); minus strand). Cytogenetic location: Xq27.1.
Variant type: single nucleotide variant.
Coding change: c.617G>A on transcript NM_001353812.2 (MANE Select); coding-DNA position 617, G replaced by A.
Protein change: p.Arg206Gln; replaces arginine 206 with glutamine.
Molecular consequence: missense variant.
Genome position (GRCh38, 1-based): chrX:139,802,278, C>T on the plus strand (G>A on the coding strand, the complement: ATP11C is on the minus strand). VCF-style: chrX-139802278-C-T. GRCh37 (hg19) VCF-style: chrX-138884437-C-T.
Other names: c.626G>A, p.Arg209Gln (NM_001010986.3, NM_173694.5); c.617G>A, p.Arg206Gln (NM_001353810.2, NM_001353811.2); short protein forms R206Q, R209Q.
Identifiers: ClinVar variation 3804321 (VCV003804321.2).